The following is an entry in ClinVar:

ClinVar aggregate classification (germline): Pathogenic/Likely pathogenic. Review status: criteria provided, multiple submitters, no conflicts (2 of 4 stars). 28 submissions from 28 submitters: Pathogenic (21); Likely pathogenic (4). 3 of the submissions do not count toward it. Last evaluated 2026-06-22.

Conditions:
Autosomal recessive BCHE-related disorders.
BCHE-related disorder. Also called: BCHE-related condition.
Inborn genetic diseases. Identifiers: MedGen C0950123, MeSH D030342.
Deficiency of butyrylcholinesterase (BCHED). Also called: Butyrylcholinesterase deficiency; Deficiency of butyrylcholine esterase; Acholinesterasemia; BCHE, silent 1. Identifiers: Orphanet 132, MedGen C1283400, MONDO:0015270, OMIM 617936.
Postanesthetic apnea. Identifiers: MedGen C1867468.

Allele frequency attached by ClinVar (database versions not stated): 1000 Genomes Project 30x 0.00593; 1000 Genomes Project 0.00599; ExAC 0.01207; gnomAD exomes 0.01213 and 0.01648; gnomAD 0.01234 and 0.01259; TOPMed 0.01238.
gnomAD v4.1: 25,861 of 1,613,944 alleles (1.6%); highest among the groups gnomAD compares: Middle Eastern, 2.6%; 246 homozygotes.

Submissions 1 to 8 of 28:

Victorian Clinical Genetics Services, Murdoch Childrens Research Institute
Classification: Pathogenic for Deficiency of butyrylcholinesterase. Last evaluated: 2026-06-22. Review status: criteria provided, single submitter. Criteria: ACMG Guidelines, 2015. Collection method: clinical testing. Allele origin: germline.
Comment: This variant is classified as Pathogenic. Evidence in support of pathogenic classification: This variant has strong previous evidence of pathogenicity in unrelated individuals. Also known as p.(Asp70Gly), "A" or "atypical" allele in the literature, it has been reported in at least ten homozygous or compound heterozygous patients who had prolonged duration of action involving succinylcholine or mivacurium during anaesthesia, and is consistently classified as pathogenic by diagnostic laboratories in ClinVar (PMIDs: 12881446, 27031121). Additional information: Variant is predicted to result in a missense amino acid change from Asp to Gly; This variant is homozygous; This gene is associated with autosomal recessive disease; Variant is present in gnomAD >=0.01 and <0.03 for a recessive condition (v4: 25369 heterozygote(s), 246 homozygote(s)); Variant is located in the annotated carboxylesterase domain (DECIPHER, NCBI); Missense variant with inconclusive in silico prediction and/or uninformative conservation; Loss of function is a known mechanism of disease in this gene and is associated with butyrylcholinesterase deficiency (MIM#617936).

PreventionGenetics, part of Exact Sciences
Classification: Pathogenic for BCHE-related condition. Last evaluated: 2026-05-26. Review status: criteria provided, single submitter. Criteria: ACMG Guidelines, 2015. Collection method: clinical testing. Allele origin: germline.
Comment: The BCHE c.293A>G variant is predicted to result in the amino acid substitution p.Asp98Gly. This variant is also referred to as p.Asp70Gly in the literature. This variant (known as the atypical, A, or dibucaine-resistant variant) has been documented to reduce butyrylcholinesterase activity by 70% in homozygotes and, in homozygotes, it has been associated with an increased risk for post-anesthesia apnea when exposed to neuromuscular blocking agents such as dibucaine, succinylcholine, and mivacurium (McGuire et al. 1989. PubMed ID: 2915989; Yen et al. 2003. PubMed ID: 12881446; Levano et al. 2005. PubMed ID: 15731589; Parnas et al. 2011. PubMed ID: 21228368; Garcia et al. 2011. PubMed ID: 21637541; Zavorotnyy and Zwanzger. 2011. PubMed ID: 22053728; Delacour et al. 2014. PubMed ID: 25054547). This variant is relatively common (minor allele frequency of ~2% in the European (non-Finnish) population) and is usually carried on the same allele (i.e., in cis) with c.1699G>A (p.Ala567Thr). We classify this variant as pathogenic.

Dasa
Classification: Pathogenic. Last evaluated: 2026-04-17. Review status: criteria provided, single submitter. Criteria: DASA Assertion Criteria. Collection method: clinical testing. Allele origin: germline.
Comment: NM_000055.4(BCHE):c.293A>G (p.Asp98Gly) is a missense variant that results in the substitution of aspartic acid with glycine. Functional evidence supports a deleterious effect on the gene or gene product (PMID: 9047329; PMID: 27551784; PMID: 16103129). This variant has been recurrently observed in individuals with related phenotype (PMID: 9047329; PMID: 27551784; PMID: 16103129). Segregation evidence has been reported in affected families. The variant is present at low frequency in population datasets. Based on the available data, this variant is classified as pathogenic.

Ambry Genetics
Classification: Pathogenic for Inborn genetic diseases. Last evaluated: 2026-04-13. Review status: criteria provided, single submitter. Criteria: Ambry Variant Classification Scheme 2023. Collection method: clinical testing. Allele origin: germline.
Comment: The c.293A>G (p.D98G) alteration is located in exon 2 (coding exon 1) of the BCHE gene. This alteration results from a A to G substitution at nucleotide position 293, causing the aspartic acid (D) at amino acid position 98 to be replaced by a glycine (G). Based on data from gnomAD, the G allele has an overall frequency of 1.199% (3385/282392) total alleles studied. The highest observed frequency was 1.766% (2277/128920) of European (non-Finnish) alleles. This variant has been identified in the homozygous state and/or in conjunction with other variant(s) in this same gene in individual(s) with features consistent with butyrylcholinesterase deficiency and segregated with disease in at least one family (Zelinski, 2007; Wichmann, 2016; McGuire, 1989; Garcia, 2011). In one or more case control studies, this variant was found to be associated with reduced butyrylcholinesterase activity when present in heterozygosity (Lando, 2003). Note, this variant is also referred to as c.209A>G, D70G, and the Atypical (A) allele in the literature. This amino acid position is highly conserved in available vertebrate species. Functional studies suggest that this variant results in loss of enzymatic activity; however, additional evidence is needed to confirm this finding (Masson, 1997). This alteration is predicted to be deleterious by in silico analysis. Based on the available evidence, this alteration is classified as pathogenic.

OLLIN Analises Genomicas, OLLIN
Classification: Pathogenic for Deficiency of butyrylcholinesterase. Last evaluated: 2026-02-13. Review status: criteria provided, single submitter. Criteria: ACMG Guidelines 2015 PMID 25741868. Collection method: clinical testing. Allele origin: germline. Observed: 1 variant allele.
Comment: PS3_P, PS4, PM3_VS

Labcorp Genetics (formerly Invitae), Labcorp
Classification: Pathogenic. Last evaluated: 2026-01-31. Review status: criteria provided, single submitter. Criteria: Invitae Variant Classification Sherloc (09022015). Collection method: clinical testing. Allele origin: germline.
Comment: This sequence change replaces aspartic acid, which is acidic and polar, with glycine, which is neutral and non-polar, at codon 98 of the BCHE protein (p.Asp98Gly). This variant is present in population databases (rs1799807, gnomAD 1.8%), and has an allele count higher than expected for a pathogenic variant. This missense change has been observed in individual(s) with butyrylcholinesterase deficiency (PMID: 2915989, 27031121). It has also been observed to segregate with disease in related individuals. This variant is also known as p.Asp70Gly. ClinVar contains an entry for this variant (Variation ID: 13215). Invitae Evidence Modeling of protein sequence and biophysical properties (such as structural, functional, and spatial information, amino acid conservation, physicochemical variation, residue mobility, and thermodynamic stability) indicates that this missense variant is expected to disrupt BCHE protein function with a positive predictive value of 95%. For these reasons, this variant has been classified as Pathogenic.

Rady Children's Institute for Genomic Medicine, Rady Children's Hospital San Diego
Classification: Pathogenic for Butyrylcholinesterase deficiency. Last evaluated: 2025-12-22. Review status: criteria provided, single submitter. Criteria: ACMG Guidelines, 2015. Collection method: clinical testing. Allele origin: germline. Affected: yes.
Comment: This variant is also known as p.Asp70Gly or the "A" allele and has been previously reported as a heterozygous, compound heterozygous, and homozygous change in individuals with butyrylcholinesterase deficiency (PMID: 12881446, 26439437, 30600548, 25054547, 30487145, 30804560, 8390770). A meta-analysis showed individuals heterozygous for the "A" allele had prolonged succinylcholine and mivacurium neuromuscular blockade by 5â€“10 min and 13â€“14 min, respectively, in comparison to homozygous individuals who had prolonged neuromuscular blockade for several hours (PMID: 30600548). Functional studies suggest the c.293A>G (p.Asp98Gly) variant leads to reduced enzyme activity and binding affinity for succinylcholine (PMID: 25448037, 2915989). The c.293A>G (p.Asp98Gly) variant affects a highly conserved amino acid; however, in silico tools used to predict the effect of this variant on protein function yield discordant results. The c.293A>G (p.Asp98Gly) variant is present in the latest version of the gnomAD population database at an allele frequency of 1.6% (25861/1613944), including 246 homozygotes. Based on the available evidence, c.293A>G (p.Asp98Gly) is classified as Pathogenic.

CeGaT Center for Human Genetics Tuebingen
Classification: Pathogenic. Last evaluated: 2025-12-01. Review status: criteria provided, single submitter. Criteria: CeGaT Center For Human Genetics Tuebingen Variant Classification Criteria Version 2. Collection method: clinical testing. Allele origin: germline. Affected: yes. Observed: 10 variant alleles.
Comment: BCHE: PM3:Very Strong, PS3:Moderate, PM2:Supporting, PP4, BP4

NM_000055.2(BCHE):c.293A>G (p.Asp98Gly)

Gene: BCHE (butyrylcholinesterase; minus strand). Cytogenetic location: 3q26.1.
Variant type: single nucleotide variant.
Coding change: c.293A>G on transcript NM_000055.2; coding-DNA position 293, A replaced by G.
Protein change: p.Asp98Gly; replaces aspartic acid 98 with glycine.
Molecular consequence: missense variant (on NM_000055.4). On other transcripts: non-coding transcript variant (1).
Genome position (GRCh38, 1-based): chr3:165,830,741, T>C on the plus strand (A>G on the coding strand, the complement: BCHE is on the minus strand). VCF-style: chr3-165830741-T-C. GRCh37 (hg19) VCF-style: chr3-165548529-T-C.
Other names: D70G; BCHE*70G; A-Variant; c.293A>G, p.Asp98Gly (NM_000055.4); short protein forms D98G.
Identifiers: ClinVar variation 13215 (VCV000013215.108), dbSNP rs1799807, ClinGen allele CA122963.